The following is an entry in ClinVar:

ClinVar aggregate classification (germline): Uncertain significance. Review status: criteria provided, multiple submitters, no conflicts (2 of 4 stars). 2 submissions from 2 submitters: Uncertain significance (2). Last evaluated 2025-04-24.

Conditions:
Inborn genetic diseases. Identifiers: MedGen C0950123, MeSH D030342.

Allele frequency attached by ClinVar (database versions not stated): ExAC 0.00001; gnomAD 0.00001.
gnomAD v4.1: 9 of 1,609,998 alleles (0.00056%); highest among the groups gnomAD compares: African/African-American, 0.0027%; no homozygotes.

Submissions (2):

Ambry Genetics
Classification: Uncertain significance for Inborn genetic diseases. Last evaluated: 2025-04-24. Review status: criteria provided, single submitter. Criteria: Ambry Variant Classification Scheme 2023. Collection method: clinical testing. Allele origin: germline.

Labcorp Genetics (formerly Invitae), Labcorp
Classification: Uncertain significance. Last evaluated: 2021-07-05. Review status: criteria provided, single submitter. Criteria: Invitae Variant Classification Sherloc (09022015). Collection method: clinical testing. Allele origin: germline.
Comment: This sequence change replaces proline with leucine at codon 1914 of the SPEG protein (p.Pro1914Leu). The proline residue is moderately conserved and there is a moderate physicochemical difference between proline and leucine. This variant is present in population databases (rs747705195, ExAC 0.002%). This variant has not been reported in the literature in individuals affected with SPEG-related conditions. Algorithms developed to predict the effect of missense changes on protein structure and function output the following: SIFT: "Deleterious"; PolyPhen-2: "Benign"; Align-GVGD: "Class C0". The leucine amino acid residue is found in multiple mammalian species, which suggests that this missense change does not adversely affect protein function. In summary, the available evidence is currently insufficient to determine the role of this variant in disease. Therefore, it has been classified as a Variant of Uncertain Significance.

NM_005876.5(SPEG):c.5741C>T (p.Pro1914Leu)

Genes: ASIC4-AS1 (ASIC4 antisense RNA 1; minus strand), SPEG (striated muscle enriched protein kinase; plus strand). Cytogenetic location: 2q35.
Variant type: single nucleotide variant.
Coding change: c.5741C>T on transcript NM_005876.5 (MANE Select); coding-DNA position 5741, C replaced by T.
Protein change: p.Pro1914Leu; replaces proline 1914 with leucine.
Molecular consequence: missense variant.
Genome position (GRCh38, 1-based): chr2:219,483,204, C>T. VCF-style: chr2-219483204-C-T. GRCh37 (hg19) VCF-style: chr2-220347926-C-T.
Other names: c.5741C>T (NM_005876.4); short protein forms P1914L.
Identifiers: ClinVar variation 1399886 (VCV001399886.9), dbSNP rs747705195, ClinGen allele CA2126941.
Genomic context (GRCh38, chr2:219,483,204, plus strand): 5'-CCGAGCTGCTGCGGGCCCCCCCAGAGCGGGTGTGGGTGACCATGCCCAGAAGGCCACCCC[C>T]CAGTGGGGGGCTCTCATCCTCCTCGGATTCTGAAGAGGAAGAGCTGGAAGAGCTGCCCTC-3'
Protein context (NP_005867.3, residues 1904-1924): VWVTMPRRPP[Pro1914Leu]SGGLSSSSDS